The following is an entry in ClinVar:

ClinVar aggregate classification (germline): Likely benign (1 of 4 stars; one submission).

gnomAD v4.1: 6 of 1,614,136 alleles (0.00037%); highest among the groups gnomAD compares: Admixed American, 0.01%; no homozygotes.

Submission:

CeGaT Center for Human Genetics Tuebingen
Classification: Likely benign. Last evaluated: 2026-06-01. Review status: criteria provided, single submitter. Criteria: CeGaT Center For Human Genetics Tuebingen Variant Classification Criteria Version 2. Collection method: clinical testing. Allele origin: germline. Affected: yes. Observed: 1 variant allele.
Comment: CHAMP1: BP4, BP7

NM_032436.4(CHAMP1):c.1065T>A (p.Ser355=)

Gene: CHAMP1 (chromosome alignment maintaining phosphoprotein 1; plus strand). Cytogenetic location: 13q34.
Variant type: single nucleotide variant.
Coding change: c.1065T>A on transcript NM_032436.4 (MANE Select); coding-DNA position 1065, T replaced by A.
Protein change: p.Ser355=; no amino-acid change (serine 355 retained).
Molecular consequence: synonymous variant.
Genome position (GRCh38, 1-based): chr13:114,324,907, T>A. VCF-style: chr13-114324907-T-A. GRCh37 (hg19) VCF-style: chr13-115090382-T-A.
Other names: c.1065T>A, p.Ser355= (NM_001164144.3, NM_001164145.3).
Identifiers: ClinVar variation 4874390 (VCV004874390.2).